The following is an entry in ClinVar:

NM_000094.4(COL7A1):c.5500G>A (p.Glu1834Lys)

Gene: COL7A1 (collagen type VII alpha 1 chain; minus strand). Cytogenetic location: 3p21.31.
Variant type: single nucleotide variant.
Coding change: c.5500G>A on transcript NM_000094.4 (MANE Select); coding-DNA position 5500, G replaced by A.
Protein change: p.Glu1834Lys; replaces glutamic acid 1834 with lysine.
Molecular consequence: missense variant.
Genome position (GRCh38, 1-based): chr3:48,578,353, C>T on the plus strand (G>A on the coding strand, the complement: COL7A1 is on the minus strand). VCF-style: chr3-48578353-C-T. GRCh37 (hg19) VCF-style: chr3-48615786-C-T.
Other names: short protein forms E1834K.
Identifiers: ClinVar variation 3704735 (VCV003704735.2).

ClinVar aggregate classification (germline): Uncertain significance (1 of 4 stars; one submission).

gnomAD v4.1: 13 of 1,612,988 alleles (0.00081%); highest among the groups gnomAD compares: East Asian, 0.0045%; no homozygotes.

Submission:

Labcorp Genetics (formerly Invitae), Labcorp
Classification: Uncertain significance. Last evaluated: 2024-05-13. Review status: criteria provided, single submitter. Criteria: Invitae Variant Classification Sherloc (09022015). Collection method: clinical testing. Allele origin: germline.
Comment: This sequence change replaces glutamic acid, which is acidic and polar, with lysine, which is basic and polar, at codon 1834 of the COL7A1 protein (p.Glu1834Lys). This variant is present in population databases (rs750841023, gnomAD 0.003%). This variant has not been reported in the literature in individuals affected with COL7A1-related conditions. Advanced modeling of protein sequence and biophysical properties (such as structural, functional, and spatial information, amino acid conservation, physicochemical variation, residue mobility, and thermodynamic stability) performed at Invitae indicates that this missense variant is not expected to disrupt COL7A1 protein function with a negative predictive value of 95%. In summary, the available evidence is currently insufficient to determine the role of this variant in disease. Therefore, it has been classified as a Variant of Uncertain Significance.